The following is an entry in ClinVar:

ClinVar aggregate classification (germline): Uncertain significance (1 of 4 stars; one submission).

Conditions:
Hereditary cancer-predisposing syndrome. Also called: Tumor predisposition; Hereditary neoplastic syndrome; Neoplastic Syndromes, Hereditary; Hereditary Cancer Syndrome. Identifiers: Orphanet 140162, MedGen C0027672, MeSH D009386, MONDO:0015356.

Submission:

Ambry Genetics
Classification: Uncertain significance for Hereditary cancer-predisposing syndrome. Last evaluated: 2025-05-31. Review status: criteria provided, single submitter. Criteria: Ambry Variant Classification Scheme 2023. Collection method: clinical testing. Allele origin: germline.
Comment: The p.A274V variant (also known as c.821C>T), located in coding exon 8 of the CDC73 gene, results from a C to T substitution at nucleotide position 821. The alanine at codon 274 is replaced by valine, an amino acid with similar properties. This amino acid position is conserved. In addition, this alteration is predicted to be tolerated by in silico analysis. Based on the available evidence, the clinical significance of this variant remains unclear.

NM_024529.5(CDC73):c.821C>T (p.Ala274Val)

Gene: CDC73 (cell division cycle 73; plus strand). Cytogenetic location: 1q31.2.
Variant type: single nucleotide variant.
Coding change: c.821C>T on transcript NM_024529.5 (MANE Select); coding-DNA position 821, C replaced by T.
Protein change: p.Ala274Val; replaces alanine 274 with valine.
Molecular consequence: missense variant.
Genome position (GRCh38, 1-based): chr1:193,147,958, C>T. VCF-style: chr1-193147958-C-T. GRCh37 (hg19) VCF-style: chr1-193117088-C-T.
Other names: short protein forms A274V.
Identifiers: ClinVar variation 3998692 (VCV003998692.1).